The following is an entry in ClinVar:

ClinVar aggregate classification (germline): Benign. Review status: criteria provided, multiple submitters, no conflicts (2 of 4 stars). 3 submissions from 3 submitters: Benign (2). 1 of the submissions does not count toward it. Last evaluated 2026-01-11.

Conditions:
Immunodeficiency 104. Also called: Severe combined immunodeficiency, autosomal recessive, T cell-negative, B cell-positive, NK cell-positive; Severe Combined Immune Deficiency, Autosomal Recessive, TCell -Negative, B Cell-Positive, NK Cell-Positive, IL7R-Related; IMMUNODEFICIENCY 104, SEVERE COMBINED; SCID, AUTOSOMAL RECESSIVE, T CELL-NEGATIVE, B CELL-POSITIVE, NK CELL-POSITIVE. Identifiers: MedGen C5676890, MONDO:0012163, OMIM 608971.
IL7R-related disorder. Also called: IL7R-related condition.

Allele frequency attached by ClinVar (database versions not stated): gnomAD 0.00001 and 0.00003; TOPMed 0.00009.

Submissions (3):

Labcorp Genetics (formerly Invitae), Labcorp
Classification: Benign for Immunodeficiency 104. Last evaluated: 2026-01-11. Review status: criteria provided, single submitter. Criteria: Invitae Variant Classification Sherloc (09022015). Collection method: clinical testing. Allele origin: germline.

Breakthrough Genomics
Classification: Benign. Review status: criteria provided, single submitter. Criteria: ACMG Guidelines, 2015. Collection method: not provided. Allele origin: germline. Inheritance: Autosomal recessive inheritance. Affected: yes.

PreventionGenetics, part of Exact Sciences
Classification: Likely benign for IL7R-related condition. Last evaluated: 2020-11-04. Review status: no assertion criteria provided. Collection method: clinical testing. Allele origin: germline. Not counted in ClinVar's aggregate classification.
Comment: This variant is classified as likely benign based on ACMG/AMP sequence variant interpretation guidelines (Richards et al. 2015 PMID: 25741868, with internal and published modifications).

NM_002185.5(IL7R):c.306T>A (p.Ile102=)

Gene: IL7R (interleukin 7 receptor; plus strand). Cytogenetic location: 5p13.2.
Variant type: single nucleotide variant.
Coding change: c.306T>A on transcript NM_002185.5 (MANE Select); coding-DNA position 306, T replaced by A.
Protein change: p.Ile102=; no amino-acid change (isoleucine 102 retained).
Molecular consequence: synonymous variant. On other transcripts: non-coding transcript variant (1).
Genome position (GRCh38, 1-based): chr5:35,867,390, T>A. VCF-style: chr5-35867390-T-A. GRCh37 (hg19) VCF-style: chr5-35867492-T-A.
Other names: c.306T>A (NM_002185.3).
Identifiers: ClinVar variation 1170642 (VCV001170642.12), dbSNP rs200241281, ClinGen allele CA3231906.